The following is an entry in ClinVar:

NM_000057.4(BLM):c.2276T>A (p.Ile759Asn)

Gene: BLM (BLM RecQ like helicase; plus strand). Cytogenetic location: 15q26.1.
Variant type: single nucleotide variant.
Coding change: c.2276T>A on transcript NM_000057.4 (MANE Select); coding-DNA position 2276, T replaced by A.
Protein change: p.Ile759Asn; replaces isoleucine 759 with asparagine.
Molecular consequence: missense variant.
Genome position (GRCh38, 1-based): chr15:90,766,992, T>A. VCF-style: chr15-90766992-T-A. GRCh37 (hg19) VCF-style: chr15-91310222-T-A.
Other names: c.2276T>A, p.Ile759Asn (NM_001287246.2, NM_001287247.2); c.1151T>A, p.Ile384Asn (NM_001287248.2); short protein forms I759N, I384N.
Identifiers: ClinVar variation 821008 (VCV000821008.5), dbSNP rs1056077835, ClinGen allele CA393844942.
Genomic context (GRCh38, chr15:90,766,992, plus strand): 5'-GTGATAAGACTGACTCAGAAGCTACAAATATTTACCTCCAGTTATCAAAAAAAGACCCAA[T>A]CATAAAACTTCTATATGTCACTCCAGAAAAGGTTTGTATTTATATCATTATTTTAAAATA-3'
Protein context (NP_000048.1, residues 749-769): IYLQLSKKDP[Ile759Asn]IKLLYVTPEK

ClinVar aggregate classification (germline): Uncertain significance (1 of 4 stars; one submission).

Conditions:
Hereditary cancer-predisposing syndrome. Also called: Neoplastic Syndromes, Hereditary; Tumor predisposition; Hereditary Cancer Syndrome; Hereditary neoplastic syndrome. Identifiers: Orphanet 140162, MedGen C0027672, MeSH D009386, MONDO:0015356.

gnomAD v4.1: 3 of 1,589,360 alleles (0.00019%); highest among the groups gnomAD compares: Non-Finnish European, 0.00026%; no homozygotes.

Submission:

Ambry Genetics
Classification: Uncertain significance for Hereditary cancer-predisposing syndrome. Last evaluated: 2025-06-09. Review status: criteria provided, single submitter. Criteria: Ambry Variant Classification Scheme 2023. Collection method: clinical testing. Allele origin: germline.
Comment: The p.I759N variant (also known as c.2276T>A), located in coding exon 9 of the BLM gene, results from a T to A substitution at nucleotide position 2276. The isoleucine at codon 759 is replaced by asparagine, an amino acid with dissimilar properties. This amino acid position is well conserved in available vertebrate species. In addition, the in silico prediction for this alteration is inconclusive. Since supporting evidence is limited at this time, the clinical significance of this alteration remains unclear.